The following is an entry in ClinVar:

NM_024649.5(BBS1):c.83A>G (p.Tyr28Cys)

Gene: BBS1 (Bardet-Biedl syndrome 1; plus strand). Cytogenetic location: 11q13.2.
Variant type: single nucleotide variant.
Coding change: c.83A>G on transcript NM_024649.5 (MANE Select); coding-DNA position 83, A replaced by G.
Protein change: p.Tyr28Cys; replaces tyrosine 28 with cysteine.
Molecular consequence: missense variant.
Genome position (GRCh38, 1-based): chr11:66,511,048, A>G. VCF-style: chr11-66511048-A-G. GRCh37 (hg19) VCF-style: chr11-66278519-A-G.
Other names: short protein forms Y28C.
Identifiers: ClinVar variation 1494215 (VCV001494215.6), dbSNP rs1263024783, ClinGen allele CA381453674.

ClinVar aggregate classification (germline): Uncertain significance. Review status: criteria provided, multiple submitters, no conflicts (2 of 4 stars). 2 submissions from 2 submitters: Uncertain significance (2). Last evaluated 2024-04-12.

Conditions:
Bardet-Biedl syndrome (BBS). Identifiers: Orphanet 110, MedGen C0752166, MONDO:0015229.
Bardet-Biedl syndrome 1 (BBS1). Identifiers: MedGen C2936862, MONDO:0008854, OMIM 209900. Disease mechanism: loss of function.

Allele frequency attached by ClinVar (database versions not stated): gnomAD exomes below 0.00001; TOPMed 0.00001.
gnomAD v4.1: 1 of 1,614,046 alleles (0.000062%); highest among the groups gnomAD compares: African/African-American, 0.0013%; no homozygotes.

Submissions (2):

Fulgent Genetics
Classification: Uncertain significance for Bardet-Biedl syndrome 1. Last evaluated: 2024-04-12. Review status: criteria provided, single submitter. Criteria: ACMG Guidelines, 2015. Collection method: clinical testing. Allele origin: germline.

Labcorp Genetics (formerly Invitae), Labcorp
Classification: Uncertain significance for Bardet-Biedl syndrome. Last evaluated: 2022-02-02. Review status: criteria provided, single submitter. Criteria: Invitae Variant Classification Sherloc (09022015). Collection method: clinical testing. Allele origin: germline.
Comment: This sequence change replaces tyrosine, which is neutral and polar, with cysteine, which is neutral and slightly polar, at codon 28 of the BBS1 protein (p.Tyr28Cys). This variant is not present in population databases (gnomAD no frequency). This variant has not been reported in the literature in individuals affected with BBS1-related conditions. Algorithms developed to predict the effect of missense changes on protein structure and function are either unavailable or do not agree on the potential impact of this missense change (SIFT: "Tolerated"; PolyPhen-2: "Probably Damaging"; Align-GVGD: "Class C0"). In summary, the available evidence is currently insufficient to determine the role of this variant in disease. Therefore, it has been classified as a Variant of Uncertain Significance.